The following is an entry in ClinVar:

NM_000092.5(COL4A4):c.4774T>C (p.Trp1592Arg)

Gene: COL4A4 (collagen type IV alpha 4 chain; minus strand). Cytogenetic location: 2q36.3.
Variant type: single nucleotide variant.
Coding change: c.4774T>C on transcript NM_000092.5 (MANE Select); coding-DNA position 4774, T replaced by C.
Protein change: p.Trp1592Arg; replaces tryptophan 1592 with arginine.
Molecular consequence: missense variant.
Genome position (GRCh38, 1-based): chr2:227,008,053, A>G on the plus strand (T>C on the coding strand, the complement: COL4A4 is on the minus strand). VCF-style: chr2-227008053-A-G. GRCh37 (hg19) VCF-style: chr2-227872769-A-G.
Other names: short protein forms W1592R.
Identifiers: ClinVar variation 3698714 (VCV003698714.4).

ClinVar aggregate classification (germline): Uncertain significance. Review status: criteria provided, multiple submitters, no conflicts (2 of 4 stars). 3 submissions from 3 submitters: Uncertain significance (3). Last evaluated 2025-06-20.

gnomAD v4.1: 3 of 1,613,668 alleles (0.00019%); highest among the groups gnomAD compares: Admixed American, 0.005%; no homozygotes.

Submissions (3):

Labcorp Genetics (formerly Invitae), Labcorp
Classification: Uncertain significance. Last evaluated: 2025-06-20. Review status: criteria provided, single submitter. Criteria: Invitae Variant Classification Sherloc (09022015). Collection method: clinical testing. Allele origin: germline.
Comment: This sequence change replaces tryptophan, which is neutral and slightly polar, with arginine, which is basic and polar, at codon 1592 of the COL4A4 protein (p.Trp1592Arg). This variant is present in population databases (rs780283211, gnomAD 0.006%). This variant has not been reported in the literature in individuals affected with COL4A4-related conditions. ClinVar contains an entry for this variant (Variation ID: 3698714). Invitae Evidence Modeling of protein sequence and biophysical properties (such as structural, functional, and spatial information, amino acid conservation, physicochemical variation, residue mobility, and thermodynamic stability) indicates that this missense variant is not expected to disrupt COL4A4 protein function with a negative predictive value of 95%. In summary, the available evidence is currently insufficient to determine the role of this variant in disease. Therefore, it has been classified as a Variant of Uncertain Significance.

GeneDx
Classification: Uncertain significance. Last evaluated: 2025-03-04. Review status: criteria provided, single submitter. Criteria: GeneDx Variant Classification Process June 2021. Collection method: clinical testing. Allele origin: germline. Affected: yes.
Comment: In silico analysis supports that this missense variant has a deleterious effect on protein structure/function; Has not been previously published as pathogenic or benign to our knowledge

Blueprint Genetics
Classification: Uncertain significance. Last evaluated: 2023-10-24. Review status: criteria provided, single submitter. Criteria: ACMG Guidelines, 2015. Collection method: clinical testing. Allele origin: germline.